The following is an entry in ClinVar:

ClinVar aggregate classification (germline): Pathogenic. Review status: criteria provided, single submitter (1 of 4 stars). 2 submissions from 2 submitters: Pathogenic (1). 1 of the submissions does not count toward it. Last evaluated 2024-03-12.

Conditions:
Familial benign pemphigus (HHD). Identifiers: Orphanet 2841, MedGen C0085106, MONDO:0008218, OMIM 169600.

Allele frequency attached by ClinVar (database versions not stated): gnomAD exomes 0.00001; ExAC 0.00002.
gnomAD v4.1: 7 of 1,607,282 alleles (0.00044%); highest among the groups gnomAD compares: African/African-American, 0.0013%; no homozygotes.

Submissions (2):

3billion
Classification: Pathogenic for Familial benign pemphigus. Last evaluated: 2024-03-12. Review status: criteria provided, single submitter. Criteria: ACMG Guidelines, 2015. Collection method: clinical testing. Allele origin: germline. Affected: yes.
Comment: The variant is observed at an extremely low frequency in the gnomAD v2.1.1 dataset (total allele frequency: <0.001%). Predicted Consequence/Location: Canonical splice site: predicted to alter splicing and result in a loss or disruption of normal protein function. Multiple pathogenic loss-of-function variants are reported downstream of the variant. In silico tools predict the variant to alter splicing and produce an abnormal transcript [Splice AI: 0.93 (spliceogenicity >=0.2, non-spliceogenicity <0.1)]. The variant has been reported to be associated with ATP2C1 related disorder (ClinVar ID: VCV000005589 /PMID: 15545997). Therefore, this variant is classified as Pathogenic according to the recommendation of ACMG/AMP guideline.

OMIM
Classification: Pathogenic for HAILEY-HAILEY DISEASE. Last evaluated: 2004-11-01. Review status: no assertion criteria provided. Collection method: literature only. Allele origin: germline. Not counted in ClinVar's aggregate classification.

Literature cited by the submitters: PubMed 15545997 (cited by 3billion and OMIM); PubMed 3978039 (cited by OMIM).

NM_001378687.1(ATP2C1):c.2126+1G>A

Gene: ATP2C1 (ATPase secretory pathway Ca2+ transporting 1; plus strand). Cytogenetic location: 3q22.1.
Variant type: single nucleotide variant.
Coding change: c.2126+1G>A on transcript NM_001378687.1 (MANE Select); the canonical splice donor site of the intron after coding-DNA position 2126, G replaced by A.
Molecular consequence: splice donor variant.
Genome position (GRCh38, 1-based): chr3:130,996,112, G>A. VCF-style: chr3-130996112-G-A. GRCh37 (hg19) VCF-style: chr3-130714956-G-A.
Other names: IVS22, G-A, +1; c.2228+1G>A (NM_001378511.1, NM_001199180.2, NM_001199181.3); c.2111+1G>A (NM_001199182.2); c.2126+1G>A (NM_001001486.2, NM_001001487.2, NM_001001485.3 and 5 more transcripts); c.2078+1G>A (NM_001378514.1, NM_001199183.2, NM_001199184.3).
Identifiers: ClinVar variation 5589 (VCV000005589.5), dbSNP rs748204512, ClinGen allele CA2615303.